The following is an entry in ClinVar:

NM_014780.5(CUL7):c.4823G>A (p.Ser1608Asn)

Gene: CUL7 (cullin 7; minus strand). Cytogenetic location: 6p21.1.
Variant type: single nucleotide variant.
Coding change: c.4823G>A on transcript NM_014780.5 (MANE Select); coding-DNA position 4823, G replaced by A.
Protein change: p.Ser1608Asn; replaces serine 1608 with asparagine.
Molecular consequence: missense variant.
Genome position (GRCh38, 1-based): chr6:43,037,962, C>T on the plus strand (G>A on the coding strand, the complement: CUL7 is on the minus strand). VCF-style: chr6-43037962-C-T. GRCh37 (hg19) VCF-style: chr6-43005700-C-T.
Other names: c.4919G>A, p.Ser1640Asn (NM_001168370.2, NM_001374872.1); c.4835G>A, p.Ser1612Asn (NM_001374873.1); c.4820G>A, p.Ser1607Asn (NM_001374874.1); short protein forms S1607N, S1612N, S1640N, S1608N.
Identifiers: ClinVar variation 911222 (VCV000911222.8), dbSNP rs181823275, ClinGen allele CA3813096.
Genomic context (GRCh38, chr6:43,037,962, plus strand): 5'-AGGTGTAGGATGCAGGAGAGGACGTCAGTGCTGCTGCATGCAGACCCCTTACCAAGGCTG[C>T]TGACCAAACCCCTGGGAGGACACGGGCCCTTCTGCCAAGCCTCCAGCACCTGGTGTGGGG-3'
Protein context (NP_055595.2, residues 1598-1618): KGPCPPRGLV[Ser1608Asn]SLGKGSACSS

ClinVar aggregate classification (germline): Uncertain significance. Review status: criteria provided, multiple submitters, no conflicts (2 of 4 stars). 2 submissions from 2 submitters: Uncertain significance (2). Last evaluated 2022-08-19.

Conditions:
3M syndrome 1. Also called: 3-M Syndrome, CUL7-Related. Identifiers: Orphanet 2616, MedGen C2678312, MONDO:0010117, OMIM 273750.

Allele frequency attached by ClinVar (database versions not stated): gnomAD exomes 0.00003 and 0.00015; gnomAD 0.00004 and 0.00005; TOPMed 0.00009; 1000 Genomes Project 30x 0.00016; 1000 Genomes Project 0.00020; ExAC 0.00020.
gnomAD v4.1: 52 of 1,596,124 alleles (0.0033%); highest among the groups gnomAD compares: Admixed American, 0.068%; no homozygotes.

Submissions (2):

Labcorp Genetics (formerly Invitae), Labcorp
Classification: Uncertain significance. Last evaluated: 2022-08-19. Review status: criteria provided, single submitter. Criteria: Invitae Variant Classification Sherloc (09022015). Collection method: clinical testing. Allele origin: germline.
Comment: This sequence change replaces serine, which is neutral and polar, with asparagine, which is neutral and polar, at codon 1608 of the CUL7 protein (p.Ser1608Asn). This variant is present in population databases (rs181823275, gnomAD 0.08%). This variant has not been reported in the literature in individuals affected with CUL7-related conditions. ClinVar contains an entry for this variant (Variation ID: 911222). Algorithms developed to predict the effect of missense changes on protein structure and function output the following: SIFT: "Deleterious"; PolyPhen-2: "Benign"; Align-GVGD: "Class C0". The asparagine amino acid residue is found in multiple mammalian species, which suggests that this missense change does not adversely affect protein function. In summary, the available evidence is currently insufficient to determine the role of this variant in disease. Therefore, it has been classified as a Variant of Uncertain Significance.

Illumina Laboratory Services, Illumina
Classification: Uncertain significance for 3M syndrome 1. Last evaluated: 2018-01-13. Review status: criteria provided, single submitter. Criteria: ICSL Variant Classification Criteria 13 December 2019. Collection method: clinical testing. Allele origin: germline.